The following is an entry in ClinVar:

ClinVar aggregate classification (germline): Conflicting classifications of pathogenicity. Review status: criteria provided, conflicting classifications (1 of 4 stars). 6 submissions from 6 submitters: Uncertain significance (5); Likely benign (1). Last evaluated 2025-11-25.

Conditions:
Familial cancer of breast. Also called: BREAST CANCER, FAMILIAL; hereditary breast carcinoma; Hereditary breast cancer. Identifiers: Orphanet 227535, MedGen C0346153, MONDO:0016419, OMIM 114480. Disease mechanism: loss of function.
BRCA2-related cancer predisposition. Identifiers: MedGen CN377758, MONDO:0700269.
Hereditary cancer-predisposing syndrome. Also called: Neoplastic Syndromes, Hereditary; Tumor predisposition; Hereditary Cancer Syndrome; Hereditary neoplastic syndrome. Identifiers: Orphanet 140162, MedGen C0027672, MeSH D009386, MONDO:0015356.
BRCA2-related disorder. Also called: BRCA2-related condition; BRCA2-related disorders. Identifiers: MedGen CN239275.
Hereditary breast ovarian cancer syndrome. Also called: BRCA1- and BRCA2-Associated Hereditary Breast and Ovarian Cancer; Hereditary breast and ovarian cancer syndrome; Hereditary breast and ovarian cancer; Hereditary breast and ovarian cancer syndrome (HBOC); Breast and ovarian cancer; Hereditary breast and/or ovarian cancer syndrome. Identifiers: Orphanet 145, MedGen C0677776, MeSH D061325, MONDO:0003582. Disease mechanism: loss of function.

Allele frequency attached by ClinVar (database versions not stated): gnomAD exomes below 0.00001; TOPMed below 0.00001; gnomAD 0.00001.
gnomAD v4.1: 1 of 1,614,136 alleles (0.000062%); highest among the groups gnomAD compares: African/African-American, 0.0013%; no homozygotes.

Submissions (6):

Labcorp Genetics (formerly Invitae), Labcorp
Classification: Uncertain significance for Hereditary breast ovarian cancer syndrome. Last evaluated: 2025-11-25. Review status: criteria provided, single submitter. Criteria: Invitae Variant Classification Sherloc (09022015). Collection method: clinical testing. Allele origin: germline.
Comment: This sequence change replaces proline, which is neutral and non-polar, with leucine, which is neutral and non-polar, at codon 2734 of the BRCA2 protein (p.Pro2734Leu). This variant is present in population databases (no rsID available, gnomAD 0.007%). This missense change has been observed in individual(s) with breast cancer (PMID: 28993434). ClinVar contains an entry for this variant (Variation ID: 230730). Invitae Evidence Modeling of protein sequence and biophysical properties (such as structural, functional, and spatial information, amino acid conservation, physicochemical variation, residue mobility, and thermodynamic stability) indicates that this missense variant is not expected to disrupt BRCA2 protein function with a negative predictive value of 95%. In summary, the available evidence is currently insufficient to determine the role of this variant in disease. Therefore, it has been classified as a Variant of Uncertain Significance.

Color Diagnostics, LLC DBA Color Health
Classification: Uncertain significance for Hereditary cancer-predisposing syndrome. Last evaluated: 2025-11-04. Review status: criteria provided, single submitter. Criteria: ACMG Guidelines, 2015. Collection method: clinical testing. Allele origin: germline.
Comment: This missense variant replaces proline with leucine at codon 2734 of the BRCA2 protein. Computational prediction suggests that this variant may not impact protein structure and function. unctional studies have reported that this variant does not impact BRCA2 in the rescue of BRCA2-deficient mouse cells in growth and sensitivity assays to cisplatin and PARP inhibitor and in a haploid cell proliferation assay (PMID: 39779848, 39779857). This variant has been reported in a breast cancer case-control study in 1/2575 breast cancer cases and absent in 2809 unaffected individuals (PMID: 28993434). Multifactorial analysis reached a combined likelihood ratio (LR) of 0.926 based on personal and family history for one carrier (PMID: 31853058). This variant has been identified in 1/1461868 chromosomes in the general population by the Genome Aggregation Database (gnomAD). The available evidence is insufficient to determine the role of this variant in disease conclusively. Therefore, this variant is classified as a Variant of Uncertain Significance.

Ambry Genetics
Classification: Likely benign for Hereditary cancer-predisposing syndrome. Last evaluated: 2025-05-08. Review status: criteria provided, single submitter. Criteria: Ambry Variant Classification Scheme 2023. Collection method: clinical testing. Allele origin: germline.

All of Us Research Program, National Institutes of Health
Classification: Uncertain significance for BRCA2-related cancer predisposition. Last evaluated: 2024-03-05. Review status: criteria provided, single submitter. Criteria: ACMG Guidelines, 2015. Collection method: clinical testing. Allele origin: germline. Inheritance: Autosomal dominant inheritance. Observed: 1 variant allele, 1 heterozygote.
Comment: This study involves interpretation of variants in research participants for the purpose of population health screening. Participant phenotype was not available at the time of variant classification. Additional details can be found in publication PMID: 35346344, PMCID: PMC8962531

Baylor Genetics
Classification: Uncertain significance for Familial cancer of breast. Last evaluated: 2024-03-01. Review status: criteria provided, single submitter. Criteria: ACMG Guidelines, 2015. Collection method: clinical testing. Allele origin: unknown.

PreventionGenetics, part of Exact Sciences
Classification: Uncertain significance for BRCA2-related condition. Last evaluated: 2022-10-04. Review status: criteria provided, single submitter. Criteria: ACMG Guidelines, 2015. Collection method: clinical testing. Allele origin: germline.
Comment: The BRCA2 c.8201C>T variant is predicted to result in the amino acid substitution p.Pro2734Leu. This variant has been reported as a variant of uncertain significance in a cohort of individuals with breast cancer (Table S5 in Wen et al. 2018. PubMed ID: 28993434). This variant is reported in 0.0062% of alleles in individuals of African descent in gnomAD, and is classified in ClinVar as uncertain. At this time, the clinical significance of this variant is uncertain due to the absence of conclusive functional and genetic evidence.

Literature cited by the submitters: PubMed 28993434 (cited by 3 submitters); PubMed 31853058 (cited by Color Diagnostics, LLC DBA Color Health); PubMed 39779848 (cited by Color Diagnostics, LLC DBA Color Health); PubMed 39779857 (cited by Color Diagnostics, LLC DBA Color Health).

NM_000059.4(BRCA2):c.8201C>T (p.Pro2734Leu)

Gene: BRCA2 (BRCA2 DNA repair associated; plus strand). Cytogenetic location: 13q13.1.
Variant type: single nucleotide variant.
Coding change: c.8201C>T on transcript NM_000059.4 (MANE Select); coding-DNA position 8201, C replaced by T.
Protein change: p.Pro2734Leu; replaces proline 2734 with leucine.
Molecular consequence: missense variant.
Genome position (GRCh38, 1-based): chr13:32,363,403, C>T. VCF-style: chr13-32363403-C-T. GRCh37 (hg19) VCF-style: chr13-32937540-C-T.
Other names: short protein forms P2734L.
Identifiers: ClinVar variation 230730 (VCV000230730.18), dbSNP rs876658732, ClinGen allele CA10579771.
Genomic context (GRCh38, chr13:32,363,403, plus strand): 5'-AAAAAGTGGCCATTATTGAACTTACAGATGGGTGGTATGCTGTTAAGGCCCAGTTAGATC[C>T]TCCCCTCTTAGCTGTCTTAAAGAATGGCAGACTGACAGTTGGTCAGAAGATTATTCTTCA-3'
Protein context (NP_000050.3, residues 2724-2744): GWYAVKAQLD[Pro2734Leu]PLLAVLKNGR